The following is an entry in ClinVar:

ClinVar aggregate classification (germline): Uncertain significance. Review status: criteria provided, multiple submitters, no conflicts (2 of 4 stars). 2 submissions from 2 submitters: Uncertain significance (2). Last evaluated 2025-01-06.

Conditions:
Hereditary cancer-predisposing syndrome. Also called: Neoplastic Syndromes, Hereditary; Tumor predisposition; Hereditary Cancer Syndrome; Hereditary neoplastic syndrome. Identifiers: Orphanet 140162, MedGen C0027672, MeSH D009386, MONDO:0015356.

Submissions (2):

Ambry Genetics
Classification: Uncertain significance for Hereditary cancer-predisposing syndrome. Last evaluated: 2025-01-06. Review status: criteria provided, single submitter. Criteria: Ambry Variant Classification Scheme 2023. Collection method: clinical testing. Allele origin: germline.
Comment: The p.S57P variant (also known as c.169T>C), located in coding exon 1 of the CHEK2 gene, results from a T to C substitution at nucleotide position 169. The serine at codon 57 is replaced by proline, an amino acid with similar properties. This amino acid position is highly conserved in available vertebrate species. In addition, the in silico prediction for this alteration is inconclusive. Based on the available evidence, the clinical significance of this variant remains unclear.

Color Diagnostics, LLC DBA Color Health
Classification: Uncertain significance for Hereditary cancer-predisposing syndrome. Last evaluated: 2024-03-06. Review status: criteria provided, single submitter. Criteria: ACMG Guidelines, 2015. Collection method: clinical testing. Allele origin: germline.
Comment: This missense variant replaces serine with proline at codon 57 of the CHEK2 protein. Computational prediction suggests that this variant may not impact protein structure and function (internally defined REVEL score threshold <= 0.5, PMID: 27666373). Splice site prediction tools suggest that this variant may not impact RNA splicing. To our knowledge, functional studies have not been performed for this variant. This variant has not been reported in individuals affected with hereditary cancer in the literature. This variant has not been identified in the general population by the Genome Aggregation Database (gnomAD). The available evidence is insufficient to determine the role of this variant in disease conclusively. Therefore, this variant is classified as a Variant of Uncertain Significance.

NM_007194.4(CHEK2):c.169T>C (p.Ser57Pro)

Gene: CHEK2 (checkpoint kinase 2; minus strand). Cytogenetic location: 22q12.1.
Variant type: single nucleotide variant.
Coding change: c.169T>C on transcript NM_007194.4 (MANE Select); coding-DNA position 169, T replaced by C.
Protein change: p.Ser57Pro; replaces serine 57 with proline.
Molecular consequence: missense variant.
Genome position (GRCh38, 1-based): chr22:28,734,553, A>G on the plus strand (T>C on the coding strand, the complement: CHEK2 is on the minus strand). VCF-style: chr22-28734553-A-G. GRCh37 (hg19) VCF-style: chr22-29130541-A-G.
Other names: c.169T>C, p.Ser57Pro (NM_001005735.3, NM_001349956.3, NM_145862.3); c.-609T>C (NM_001257387.3); short protein forms S57P.
Identifiers: ClinVar variation 920665 (VCV000920665.6), dbSNP rs2054323662, ClinGen allele CA411090923.